The following is an entry in ClinVar:

ClinVar aggregate classification (germline): Uncertain significance (1 of 4 stars; one submission).

Conditions:
Myoclonic dystonia 11 (DYT11). Also called: DYT-SGCE; Myoclonic dystonia; Dystonia 11; Dystonia, alcohol responsive; Hereditary essential myoclonus; SGCE Myoclonus-Dystonia. Identifiers: Orphanet 36899, MedGen C1834570, MONDO:0008044, OMIM 159900.

Submission:

Labcorp Genetics (formerly Invitae), Labcorp
Classification: Uncertain significance for Myoclonic dystonia 11. Last evaluated: 2020-08-25. Review status: criteria provided, single submitter. Criteria: Invitae Variant Classification Sherloc (09022015). Collection method: clinical testing. Allele origin: germline.
Comment: In summary, the available evidence is currently insufficient to determine the role of this variant in disease. Therefore, it has been classified as a Variant of Uncertain Significance. Algorithms developed to predict the effect of missense changes on protein structure and function are either unavailable or do not agree on the potential impact of this missense change (SIFT: "Deleterious"; PolyPhen-2: "Probably Damaging"; Align-GVGD: "Class C0"). This variant has not been reported in the literature in individuals with SGCE-related conditions. This sequence change replaces threonine with lysine at codon 353 of the SGCE protein (p.Thr353Lys). The threonine residue is moderately conserved and there is a moderate physicochemical difference between threonine and lysine. This variant is not present in population databases (ExAC no frequency).

NM_003919.3(SGCE):c.1058C>A (p.Thr353Lys)

Genes: CASD1 (CAS1 domain sialic acid O acetyltransferase 1; plus strand), SGCE (sarcoglycan epsilon; minus strand). Cytogenetic location: 7q21.3.
Variant type: single nucleotide variant.
Coding change: c.1058C>A on transcript NM_003919.3 (MANE Select); coding-DNA position 1058, C replaced by A.
Protein change: p.Thr353Lys; replaces threonine 353 with lysine.
Molecular consequence: missense variant. On other transcripts: intron variant (6).
Genome position (GRCh38, 1-based): chr7:94,599,703, G>T on the plus strand (C>A on the coding strand, the complement: SGCE is on the minus strand). VCF-style: chr7-94599703-G-T. GRCh37 (hg19) VCF-style: chr7-94229015-G-T.
Other names: c.1058C>A, p.Thr353Lys (NM_001099401.2); c.935C>A, p.Thr312Lys (NM_001301139.2); c.1166C>A, p.Thr389Lys (NM_001346713.2); c.971C>A, p.Thr324Lys (NM_001346719.2); c.785C>A, p.Thr262Lys (NM_001346720.2); c.915-740C>A (NM_001362809.2); c.1038-740C>A (NM_001346717.2, NM_001099400.2); c.1146-740C>A (NM_001346715.2); and 2 more; short protein forms T262K, T312K, T324K, T353K, T389K.
Identifiers: ClinVar variation 1053240 (VCV001053240.9), dbSNP rs2116684872, ClinGen allele CA368229538.